The following is an entry in ClinVar:

ClinVar aggregate classification (germline): Uncertain significance. Review status: criteria provided, multiple submitters, no conflicts (2 of 4 stars). 4 submissions from 4 submitters: Uncertain significance (4). Last evaluated 2026-03-28.

Conditions:
Inborn genetic diseases. Identifiers: MedGen C0950123, MeSH D030342.
Brown-Vialetto-van Laere syndrome 2. Also called: Riboflavin transporter deficiency type 2; SPINOCEREBELLAR ATAXIA WITH BLINDNESS AND DEAFNESS 2. Identifiers: Orphanet 572543, Orphanet 97229, MedGen C3553538, MONDO:0013867, OMIM 614707.
SLC52A2-related disorder. Also called: SLC52A2-related condition.

Allele frequency attached by ClinVar (database versions not stated): gnomAD 0.00001; gnomAD exomes below 0.00001 and 0.00001; TOPMed 0.00002.

Submissions (4):

PreventionGenetics, part of Exact Sciences
Classification: Uncertain significance for SLC52A2-related condition. Last evaluated: 2026-03-28. Review status: criteria provided, single submitter. Criteria: ACMG Guidelines, 2015. Collection method: clinical testing. Allele origin: germline.
Comment: The SLC52A2 c.1276C>T variant is predicted to result in the amino acid substitution p.Pro426Ser. To our knowledge, this variant has not been reported in the literature. This variant is reported in 0.0028% of alleles in individuals of Latino descent in gnomAD. At this time, the clinical significance of this variant is uncertain due to the absence of conclusive functional and genetic evidence.

Labcorp Genetics (formerly Invitae), Labcorp
Classification: Uncertain significance for Brown-Vialetto-van Laere syndrome 2. Last evaluated: 2024-12-24. Review status: criteria provided, single submitter. Criteria: Invitae Variant Classification Sherloc (09022015). Collection method: clinical testing. Allele origin: germline.
Comment: This sequence change replaces proline, which is neutral and non-polar, with serine, which is neutral and polar, at codon 426 of the SLC52A2 protein (p.Pro426Ser). This variant is present in population databases (no rsID available, gnomAD 0.003%). This variant has not been reported in the literature in individuals affected with SLC52A2-related conditions. ClinVar contains an entry for this variant (Variation ID: 373220). Invitae Evidence Modeling of protein sequence and biophysical properties (such as structural, functional, and spatial information, amino acid conservation, physicochemical variation, residue mobility, and thermodynamic stability) has been performed for this missense variant. However, the output from this modeling did not meet the statistical confidence thresholds required to predict the impact of this variant on SLC52A2 protein function. In summary, the available evidence is currently insufficient to determine the role of this variant in disease. Therefore, it has been classified as a Variant of Uncertain Significance.

Ambry Genetics
Classification: Uncertain significance for Inborn genetic diseases. Last evaluated: 2024-11-20. Review status: criteria provided, single submitter. Criteria: Ambry Variant Classification Scheme 2023. Collection method: clinical testing. Allele origin: germline.

GeneDx
Classification: Uncertain significance. Last evaluated: 2016-11-14. Review status: criteria provided, single submitter. Criteria: GeneDx Variant Classification (06012015). Collection method: clinical testing. Allele origin: germline. Affected: yes.
Comment: A variant of uncertain significance has been identified in the SLC52A2 gene. The P426S variant has not been published as a pathogenic variant, nor has it been reported as a benign variant to our knowledge. It was not observed in approximately 6,500 individuals of European and African American ancestry in the NHLBI Exome Sequencing Project, indicating it is not a common benign variant in these populations. The P426S variant is a non-conservative amino acid substitution, which is likely to impact secondary protein structure as these residues differ in polarity, charge, size and/or other properties. However, this substitution occurs at a position that is not conserved. In silico analysis is inconsistent in its predictions as to whether or not the variant is damaging to the protein structure/function. Therefore, based on the currently available information, it is unclear whether this variant is a pathogenic variant or a rare benign variant.

NM_001363118.2(SLC52A2):c.1276C>T (p.Pro426Ser)

Gene: SLC52A2 (solute carrier family 52 member 2; plus strand). Cytogenetic location: 8q24.3.
Variant type: single nucleotide variant.
Coding change: c.1276C>T on transcript NM_001363118.2 (MANE Select); coding-DNA position 1276, C replaced by T.
Protein change: p.Pro426Ser; replaces proline 426 with serine.
Molecular consequence: missense variant. On other transcripts: non-coding transcript variant (1).
Genome position (GRCh38, 1-based): chr8:144,360,953, C>T. VCF-style: chr8-144360953-C-T. GRCh37 (hg19) VCF-style: chr8-145584613-C-T.
Other names: c.1276C>T, p.Pro426Ser (NM_001253815.2, NM_001253816.2, NM_001363120.2 and 2 more transcripts); c.784C>T, p.Pro262Ser (NM_001363122.2); c.1276C>T (NM_024531.3, NM_001253816.1); short protein forms P426S, P262S.
Identifiers: ClinVar variation 373220 (VCV000373220.7), dbSNP rs1057518291, ClinGen allele CA16042632.